The following is an entry in ClinVar:

ClinVar aggregate classification (germline): Likely benign. Review status: criteria provided, multiple submitters, no conflicts (2 of 4 stars). 2 submissions from 2 submitters: Likely benign (2). Last evaluated 2026-04-22.

Conditions:
PLEC-related disorder. Also called: PLEC-related disorders; PLEC-related condition.
Epidermolysis bullosa simplex with nail dystrophy (EBS5D). Identifiers: MedGen C4225309, MONDO:0014661, OMIM 616487.
Epidermolysis bullosa simplex 5B, with muscular dystrophy (EBS5B). Also called: Epidermolysis bullosa simplex with muscular dystrophy; EPIDERMOLYSIS BULLOSA SIMPLEX AND LIMB-GIRDLE MUSCULAR DYSTROPHY. Identifiers: Orphanet 257, MedGen C2931072, MONDO:0009181, OMIM 226670.
Autosomal recessive limb-girdle muscular dystrophy type 2Q (LGMDR17). Also called: MUSCULAR DYSTROPHY, LIMB-GIRDLE, AUTOSOMAL RECESSIVE 17. Identifiers: Orphanet 254361, MedGen C3150989, MONDO:0013390, OMIM 613723.
Epidermolysis bullosa simplex 5C, with pyloric atresia (EBS5C). Also called: PLEC-Related Epidermolysis Bullosa with Pyloric Atresia; Epidermolysis bullosa simplex with pyloric atresia; PLEC1-Related Epidermolysis Bullosa with Pyloric Atresia. Identifiers: Orphanet 158684, MedGen C2677349, MONDO:0012807, OMIM 612138.
Epidermolysis bullosa simplex, Ogna type (EBS5A). Also called: Pidermolysis bullosa simplex 5A, Ogna type; EPIDERMOLYSIS BULLOSA SIMPLEX 5A, OGNA TYPE. Identifiers: Orphanet 79401, MedGen C0432317, MONDO:0007555, OMIM 131950.

Allele frequency attached by ClinVar (database versions not stated): gnomAD 0.00002; TOPMed 0.00006; ExAC 0.00008; gnomAD exomes 0.00008.
gnomAD v4.1: 27 of 1,612,806 alleles (0.0017%); highest among the groups gnomAD compares: Admixed American, 0.043%; no homozygotes.

Submissions (2):

PreventionGenetics, part of Exact Sciences
Classification: Likely benign for PLEC-related condition. Last evaluated: 2026-04-22. Review status: criteria provided, single submitter. Criteria: ACMG Guidelines, 2015. Collection method: clinical testing. Allele origin: germline.
Comment: This variant is classified as likely benign based on ACMG/AMP sequence variant interpretation guidelines (Richards et al. 2015 PMID: 25741868, with internal and published modifications).

Labcorp Genetics (formerly Invitae), Labcorp
Classification: Likely benign for Autosomal recessive limb-girdle muscular dystrophy type 2Q; Epidermolysis bullosa simplex, Ogna type; Epidermolysis bullosa simplex with nail dystrophy; Epidermolysis bullosa simplex 5C, with pyloric atresia; Epidermolysis bullosa simplex 5B, with muscular dystrophy. Last evaluated: 2024-08-12. Review status: criteria provided, single submitter. Criteria: Invitae Variant Classification Sherloc (09022015). Collection method: clinical testing. Allele origin: germline.

NM_201384.3(PLEC):c.8214C>T (p.Phe2738=)

Gene: PLEC (plectin; minus strand). Cytogenetic location: 8q24.3.
Variant type: single nucleotide variant.
Coding change: c.8214C>T on transcript NM_201384.3 (MANE Select); coding-DNA position 8214, C replaced by T.
Protein change: p.Phe2738=; no amino-acid change (phenylalanine 2738 retained).
Molecular consequence: synonymous variant.
Genome position (GRCh38, 1-based): chr8:143,921,607, G>A on the plus strand (C>T on the coding strand, the complement: PLEC is on the minus strand). VCF-style: chr8-143921607-G-A. GRCh37 (hg19) VCF-style: chr8-144995775-G-A.
Other names: c.8295C>T, p.Phe2765= (NM_000445.5); c.8172C>T, p.Phe2724= (NM_201378.4); c.8148C>T, p.Phe2716= (NM_201379.3); c.8625C>T, p.Phe2875= (NM_201380.4); c.8118C>T, p.Phe2706= (NM_201381.3); c.8214C>T, p.Phe2738= (NM_201382.4); c.8226C>T, p.Phe2742= (NM_201383.3).
Identifiers: ClinVar variation 727160 (VCV000727160.11), dbSNP rs782488448, ClinGen allele CA4925395.
Genomic context (GRCh38, chr8:143,921,607, plus strand): 5'-CACACCCTCCTTCACAGCCTCGTTGACGGTCAGCCGCCGGTTCCGCACAGGGTCCAGCAG[G>A]AAGCCTGAGGCCGCCTGCGCCTCCAGCAGGATGAGGGCCGTGCCGGGACTCAGCAGCTGC-3'
Protein context (NP_958786.1, residues 2728-2748): ILLEAQAASG[Phe2738=]LLDPVRNRRL